The following is an entry in ClinVar:

ClinVar aggregate classification (germline): Uncertain significance. Review status: criteria provided, multiple submitters, no conflicts (2 of 4 stars). 2 submissions from 2 submitters: Uncertain significance (2). Last evaluated 2025-04-02.

Conditions:
Bethlem myopathy 1A. Also called: Bethlem myopathy 1; MYOPATHY, BENIGN CONGENITAL, WITH CONTRACTURES; Bethlem Muscular Dystrophy. Identifiers: Orphanet 610, MedGen CN029274, MONDO:0024530, OMIM 158810.

Allele frequency attached by ClinVar (database versions not stated): gnomAD exomes below 0.00001.

Submissions (2):

Labcorp Genetics (formerly Invitae), Labcorp
Classification: Uncertain significance for Bethlem myopathy 1A. Last evaluated: 2025-04-02. Review status: criteria provided, single submitter. Criteria: Invitae Variant Classification Sherloc (09022015). Collection method: clinical testing. Allele origin: germline.
Comment: This sequence change replaces proline, which is neutral and non-polar, with leucine, which is neutral and non-polar, at codon 2977 of the COL6A3 protein (p.Pro2977Leu). This variant is not present in population databases (gnomAD no frequency). This variant has not been reported in the literature in individuals affected with COL6A3-related conditions. ClinVar contains an entry for this variant (Variation ID: 432246). Invitae Evidence Modeling of protein sequence and biophysical properties (such as structural, functional, and spatial information, amino acid conservation, physicochemical variation, residue mobility, and thermodynamic stability) indicates that this missense variant is not expected to disrupt COL6A3 protein function with a negative predictive value of 95%. In summary, the available evidence is currently insufficient to determine the role of this variant in disease. Therefore, it has been classified as a Variant of Uncertain Significance.

GeneDx
Classification: Uncertain significance. Last evaluated: 2017-03-28. Review status: criteria provided, single submitter. Criteria: GeneDx Variant Classification (06012015). Collection method: clinical testing. Allele origin: germline. Affected: yes.
Comment: The P2977L variant has not been published as a pathogenic variant, nor has it been reported as a benign variant to our knowledge. The P2977L variant is not observed in large population cohorts (Lek et al., 2016; 1000 Genomes Consortium et al., 2015; Exome Variant Server). The P2977L variant is a semi-conservative amino acid substitution, which may impact secondary protein structure as these residues differ in some properties. However, this substitution occurs at a position that is not conserved. In silico analysis is inconsistent in its predictions as to whether or not the variant is damaging to the protein structure/function.

NM_004369.4(COL6A3):c.8930C>T (p.Pro2977Leu)

Gene: COL6A3 (collagen type VI alpha 3 chain; minus strand). Cytogenetic location: 2q37.3.
Variant type: single nucleotide variant.
Coding change: c.8930C>T on transcript NM_004369.4 (MANE Select); coding-DNA position 8930, C replaced by T.
Protein change: p.Pro2977Leu; replaces proline 2977 with leucine.
Molecular consequence: missense variant.
Genome position (GRCh38, 1-based): chr2:237,336,170, G>A on the plus strand (C>T on the coding strand, the complement: COL6A3 is on the minus strand). VCF-style: chr2-237336170-G-A. GRCh37 (hg19) VCF-style: chr2-238244813-G-A.
Other names: c.7109C>T, p.Pro2370Leu (NM_057166.5); c.8312C>T, p.Pro2771Leu (NM_057167.4); short protein forms P2977L, P2370L, P2771L.
Identifiers: ClinVar variation 432246 (VCV000432246.3), dbSNP rs1162901275, ClinGen allele CA351190988.
Genomic context (GRCh38, chr2:237,336,170, plus strand): 5'-GCAGCCCTAGCAAGGGCTTTCTTACCCATGGGCTTAGTGGTGGCTGGCTTGGTGGCAGCT[G>A]GTTTGGCTGCCTGTGGCCTAGGGACCTCAGGCTTGGTCGCCACTGGTTTTGCAGCAGCAG-3'
Protein context (NP_004360.2, residues 2967-2987): PEVPRPQAAK[Pro2977Leu]AATKPATTKP